The following is an entry in ClinVar:

NM_177438.3(DICER1):c.4874C>A (p.Ser1625Tyr)

Gene: DICER1 (dicer 1, ribonuclease III; minus strand). Cytogenetic location: 14q32.13.
Variant type: single nucleotide variant.
Coding change: c.4874C>A on transcript NM_177438.3 (MANE Select); coding-DNA position 4874, C replaced by A.
Protein change: p.Ser1625Tyr; replaces serine 1625 with tyrosine.
Molecular consequence: missense variant.
Genome position (GRCh38, 1-based): chr14:95,096,046, G>T on the plus strand (C>A on the coding strand, the complement: DICER1 is on the minus strand). VCF-style: chr14-95096046-G-T. GRCh37 (hg19) VCF-style: chr14-95562383-G-T.
Other names: NM_177438.3(DICER1):c.4874C>A; p.Ser1625Tyr; c.4874C>A, p.Ser1625Tyr (NM_001195573.1, NM_001271282.3, NM_001291628.2 and 1 more transcripts); short protein forms S1625Y.
Identifiers: ClinVar variation 220773 (VCV000220773.21), dbSNP rs864622653, ClinGen allele CA349727.

ClinVar aggregate classification (germline): Likely benign. Review status: reviewed by expert panel (3 of 4 stars). 5 submissions from 5 submitters: Likely benign (1). 4 of the submissions do not count toward it. Last evaluated 2024-01-09.

Conditions:
Global developmental delay - lung cysts - overgrowth - Wilms tumor syndrome. Also called: GLOW Syndrome; GLOBAL DEVELOPMENTAL DELAY, LUNG CYSTS, OVERGROWTH, AND WILMS TUMOR. Identifiers: Orphanet 404476, MedGen C4748924, MONDO:0018445, OMIM 618272.
DICER1-related tumor predisposition. Also called: DICER1 syndrome; DICER1-related pleuropulmonary blastoma cancer predisposition syndrome. Identifiers: Orphanet 284343, MedGen C3839822, MONDO:0100216.
Hereditary cancer-predisposing syndrome. Also called: Tumor predisposition; Hereditary neoplastic syndrome; Neoplastic Syndromes, Hereditary; Hereditary Cancer Syndrome. Identifiers: Orphanet 140162, MedGen C0027672, MeSH D009386, MONDO:0015356.

Allele frequency attached by ClinVar (database versions not stated): gnomAD exomes below 0.00001; TOPMed below 0.00001.
gnomAD v4.1: 14 of 1,614,240 alleles (0.00087%); highest among the groups gnomAD compares: Non-Finnish European, 0.001%; no homozygotes.

Submissions (5):

ClinGen DICER1 and miRNA-Processing Gene Variant Curation Expert Panel, ClinGen
Classification: Likely benign for DICER1-related tumor predisposition. Last evaluated: 2024-01-09. Review status: reviewed by expert panel. Criteria: ClinGen DICER1 ACMG Specifications DICER1 V1.2.0. Collection method: curation. Allele origin: germline. Inheritance: Autosomal dominant inheritance.
Comment: The NM_177438.2:c.4874C>A variant in DICER1 is a missense variant predicted to cause substitution of serine by tyrosine at amino acid 1625 (p.Ser1625Tyr). This variant has been seen in 10 or more unrelated females without tumors through age 50 in at least one testing laboratory (BS2_Supporting; GTR ID: 61756). This variant has an allele frequency of 0.000004222 (1/236838 alleles) across gnomAD v2.1.1 (non-cancer) with no more than one allele in any subpopulation, which is lower than the ClinGen DICER1 VCEP threshold (<0.000005) for PM2_Supporting, and therefore meets this criterion (PM2_Supporting). In silico tools predict no damaging impact of the variant on protein function (REVEL: 0.128; MaxEntScan and SpliceAI: no effect on splicing) (BP4). In summary, this variant meets the criteria to be classified as Likely Benign for DICER1-related tumor predisposition. Although there are both pathogenic and benign types of evidence for this variant, the pathogenic evidence is not considered inconsistent with the final classification. ACMG/AMP criteria applied, as specified by the ClinGen DICER1 VCEP: BS2_Supporting, PM2_Supporting, BP4. (Bayesian Points: -1; VCEP specifications version 1.2.0; 01/09/2024)

Labcorp Genetics (formerly Invitae), Labcorp
Classification: Uncertain significance for DICER1-related tumor predisposition. Last evaluated: 2025-07-31. Review status: criteria provided, single submitter. Criteria: Invitae Variant Classification Sherloc (09022015). Collection method: clinical testing. Allele origin: germline. Not counted in ClinVar's aggregate classification.
Comment: This sequence change replaces serine, which is neutral and polar, with tyrosine, which is neutral and polar, at codon 1625 of the DICER1 protein (p.Ser1625Tyr). This variant is present in population databases (no rsID available, gnomAD 0.0009%). This variant has not been reported in the literature in individuals affected with DICER1-related conditions. ClinVar contains an entry for this variant (Variation ID: 220773). Invitae Evidence Modeling of protein sequence and biophysical properties (such as structural, functional, and spatial information, amino acid conservation, physicochemical variation, residue mobility, and thermodynamic stability) indicates that this missense variant is not expected to disrupt DICER1 protein function with a negative predictive value of 95%. In summary, the available evidence is currently insufficient to determine the role of this variant in disease. Therefore, it has been classified as a Variant of Uncertain Significance.

Ambry Genetics
Classification: Uncertain significance for Hereditary cancer-predisposing syndrome. Last evaluated: 2025-01-03. Review status: criteria provided, single submitter. Criteria: Ambry Variant Classification Scheme 2023. Collection method: clinical testing. Allele origin: germline. Not counted in ClinVar's aggregate classification.
Comment: The p.S1625Y variant (also known as c.4874C>A), located in coding exon 22 of the DICER1 gene, results from a C to A substitution at nucleotide position 4874. The serine at codon 1625 is replaced by tyrosine, an amino acid with dissimilar properties. This amino acid position is not well conserved in available vertebrate species. In addition, this alteration is predicted to be tolerated by in silico analysis. Since supporting evidence is limited at this time, the clinical significance of this alteration remains unclear.

Baylor Genetics
Classification: Uncertain significance for Global developmental delay - lung cysts - overgrowth - Wilms tumor syndrome. Last evaluated: 2023-05-02. Review status: criteria provided, single submitter. Criteria: ACMG Guidelines, 2015. Collection method: clinical testing. Allele origin: unknown. Not counted in ClinVar's aggregate classification.

GeneDx
Classification: Uncertain significance. Last evaluated: 2023-01-13. Review status: criteria provided, single submitter. Criteria: GeneDx Variant Classification Process June 2021. Collection method: clinical testing. Allele origin: germline. Affected: yes. Not counted in ClinVar's aggregate classification.
Comment: Not observed at significant frequency in large population cohorts (gnomAD); In silico analysis supports that this missense variant does not alter protein structure/function; Has not been previously published as pathogenic or benign to our knowledge